The following is an entry in ClinVar:

ClinVar aggregate classification (germline): Uncertain significance (1 of 4 stars; one submission).

Conditions:
Hereditary cancer-predisposing syndrome. Also called: Hereditary Cancer Syndrome; Hereditary neoplastic syndrome; Neoplastic Syndromes, Hereditary; Tumor predisposition. Identifiers: Orphanet 140162, MedGen C0027672, MeSH D009386, MONDO:0015356.

Submission:

Ambry Genetics
Classification: Uncertain significance for Hereditary cancer-predisposing syndrome. Last evaluated: 2022-09-20. Review status: criteria provided, single submitter. Criteria: Ambry Variant Classification Scheme 2023. Collection method: clinical testing. Allele origin: germline.
Comment: The p.Y429F variant (also known as c.1286A>T), located in coding exon 12 of the FANCC gene, results from an A to T substitution at nucleotide position 1286. The tyrosine at codon 429 is replaced by phenylalanine, an amino acid with highly similar properties. This amino acid position is conserved. In addition, this alteration is predicted to be tolerated by in silico analysis. Since supporting evidence is limited at this time, the clinical significance of this alteration remains unclear.

NM_000136.3(FANCC):c.1286A>T (p.Tyr429Phe)

Genes: AOPEP (aminopeptidase O (putative); plus strand), FANCC (FA complementation group C; minus strand). Cytogenetic location: 9q22.32.
Variant type: single nucleotide variant.
Coding change: c.1286A>T on transcript NM_000136.3 (MANE Select); coding-DNA position 1286, A replaced by T.
Protein change: p.Tyr429Phe; replaces tyrosine 429 with phenylalanine.
Molecular consequence: missense variant.
Genome position (GRCh38, 1-based): chr9:95,111,506, T>A on the plus strand (A>T on the coding strand, the complement: FANCC is on the minus strand). VCF-style: chr9-95111506-T-A. GRCh37 (hg19) VCF-style: chr9-97873788-T-A.
Other names: c.1286A>T, p.Tyr429Phe (NM_001243743.2, NM_001243744.2); short protein forms Y429F.
Identifiers: ClinVar variation 1768973 (VCV001768973.2), dbSNP rs2134547645, ClinGen allele CA374107306.